The following is an entry in ClinVar:

ClinVar aggregate classification (germline): Likely pathogenic (1 of 4 stars; one submission).

Conditions:
Xanthinuria type II. Also called: Xanthine dehydrogenase and aldehyde oxidase combined deficiency of; XDH and AOX dual deficiency. Identifiers: Orphanet 3467, Orphanet 93602, MedGen C1863688, MONDO:0011346, OMIM 603592.

Submission:

Labcorp Genetics (formerly Invitae), Labcorp
Classification: Likely pathogenic for Xanthinuria type II. Last evaluated: 2022-06-27. Review status: criteria provided, single submitter. Criteria: Invitae Variant Classification Sherloc (09022015). Collection method: clinical testing. Allele origin: germline.
Comment: This sequence change affects a splice site in intron 11 of the MOCOS gene. It is expected to disrupt RNA splicing. Variants that disrupt the donor or acceptor splice site typically lead to a loss of protein function (PMID: 16199547), and loss-of-function variants in MOCOS are known to be pathogenic (PMID: 11302742, 17368066). This variant is present in population databases (no rsID available, gnomAD 0.008%). This variant has not been reported in the literature in individuals affected with MOCOS-related conditions. Algorithms developed to predict the effect of sequence changes on RNA splicing suggest that this variant may disrupt the consensus splice site. In summary, the currently available evidence indicates that the variant is pathogenic, but additional data are needed to prove that conclusively. Therefore, this variant has been classified as Likely Pathogenic.

Literature cited by the submitters: PubMed 16199547; PubMed 11302742; PubMed 17368066.

NM_017947.4(MOCOS):c.2164+1del

Gene: MOCOS (molybdenum cofactor sulfurase; plus strand). Cytogenetic location: 18q12.2.
Variant type: Deletion.
Coding change: c.2164+1del on transcript NM_017947.4 (MANE Select); the canonical splice donor site of the intron after coding-DNA position 2164, one base deleted (G; older notation c.2164+1delG).
Molecular consequence: splice donor variant.
Genome position (GRCh38, 1-based): chr18:36,251,284, G deleted; the last of 2 consecutive G bases (chr18:36,251,283-36,251,284); deleting either gives the same sequence. VCF-style (leftmost placement, unchanged base first): chr18-36251282-AG-A. GRCh37 (hg19) VCF-style: chr18-33831245-AG-A.
Identifiers: ClinVar variation 2081555 (VCV002081555.1), dbSNP rs1424773596, ClinGen allele CA629191000.